The following is an entry in ClinVar:

NM_182961.4(SYNE1):c.2893-62T>C

Gene: SYNE1 (spectrin repeat containing nuclear envelope protein 1; minus strand). Cytogenetic location: 6q25.2.
Variant type: single nucleotide variant.
Coding change: c.2893-62T>C on transcript NM_182961.4 (MANE Select); 62 bases into the intron before coding-DNA position 2893, T replaced by C.
Molecular consequence: intron variant.
Genome position (GRCh38, 1-based): chr6:152,453,782, A>G on the plus strand (T>C on the coding strand, the complement: SYNE1 is on the minus strand). VCF-style: chr6-152453782-A-G. GRCh37 (hg19) VCF-style: chr6-152774917-A-G.
Other names: c.2914-62T>C (NM_033071.5).
Identifiers: ClinVar variation 670611 (VCV000670611.1), dbSNP rs214973, ClinGen allele CA12338513.

ClinVar aggregate classification (germline): Benign (1 of 4 stars; one submission).

Allele frequency attached by ClinVar (database versions not stated): gnomAD exomes 0.43467; gnomAD 0.52389 and 0.52578; TOPMed 0.53640; 1000 Genomes Project 0.60743; 1000 Genomes Project 30x 0.60743.
gnomAD v4.1: 714,736 of 1,608,128 alleles (44%); highest among the groups gnomAD compares: East Asian, 78%; 167,205 homozygotes.

Submission:

GeneDx
Classification: Benign. Last evaluated: 2018-06-14. Review status: criteria provided, single submitter. Criteria: GeneDx Variant Classification (06012015). Collection method: clinical testing. Allele origin: germline. Affected: yes.
Comment: This variant is considered likely benign or benign based on one or more of the following criteria: it is a conservative change, it occurs at a poorly conserved position in the protein, it is predicted to be benign by multiple in silico algorithms, and/or has population frequency not consistent with disease.